The following is an entry in ClinVar:

ClinVar aggregate classification (germline): Uncertain significance (1 of 4 stars; one submission).

Conditions:
Early-infantile DEE. Also called: Early infantile epileptic encephalopathy with suppression bursts; Early infantile epileptic encephalopathy; Ohtahara syndrome. Identifiers: Orphanet 1934, MedGen C0393706, MONDO:0800491.

Submission:

Labcorp Genetics (formerly Invitae), Labcorp
Classification: Uncertain significance for Early-infantile DEE. Last evaluated: 2025-05-07. Review status: criteria provided, single submitter. Criteria: Invitae Variant Classification Sherloc (09022015). Collection method: clinical testing. Allele origin: germline.
Comment: This sequence change replaces glutamic acid, which is acidic and polar, with glutamine, which is neutral and polar, at codon 89 of the KCNH5 protein (p.Glu89Gln). This variant is not present in population databases (gnomAD no frequency). This variant has not been reported in the literature in individuals affected with KCNH5-related conditions. ClinVar contains an entry for this variant (Variation ID: 582493). Invitae Evidence Modeling of protein sequence and biophysical properties (such as structural, functional, and spatial information, amino acid conservation, physicochemical variation, residue mobility, and thermodynamic stability) indicates that this missense variant is not expected to disrupt KCNH5 protein function with a negative predictive value of 80%. In summary, the available evidence is currently insufficient to determine the role of this variant in disease. Therefore, it has been classified as a Variant of Uncertain Significance.

NM_139318.5(KCNH5):c.265G>C (p.Glu89Gln)

Gene: KCNH5 (potassium voltage-gated channel subfamily H member 5; minus strand). Cytogenetic location: 14q23.2.
Variant type: single nucleotide variant.
Coding change: c.265G>C on transcript NM_139318.5 (MANE Select); coding-DNA position 265, G replaced by C.
Protein change: p.Glu89Gln; replaces glutamic acid 89 with glutamine.
Molecular consequence: missense variant.
Genome position (GRCh38, 1-based): chr14:63,006,405, C>G on the plus strand (G>C on the coding strand, the complement: KCNH5 is on the minus strand). VCF-style: chr14-63006405-C-G. GRCh37 (hg19) VCF-style: chr14-63473123-C-G.
Other names: c.265G>C, p.Glu89Gln (NM_172375.3); short protein forms E89Q.
Identifiers: ClinVar variation 582493 (VCV000582493.7), dbSNP rs1162818997, ClinGen allele CA390106079.